The following is an entry in ClinVar:

ClinVar aggregate classification (germline): Uncertain significance. Review status: criteria provided, multiple submitters, no conflicts (2 of 4 stars). 5 submissions from 5 submitters: Uncertain significance (5). Last evaluated 2025-11-01.

Conditions:
Hereditary cancer-predisposing syndrome. Also called: Neoplastic Syndromes, Hereditary; Hereditary Cancer Syndrome; Hereditary neoplastic syndrome; Tumor predisposition. Identifiers: Orphanet 140162, MedGen C0027672, MeSH D009386, MONDO:0015356.
Peutz-Jeghers syndrome (PJS). Also called: Peutz-Jeghers polyposis; Periorificial lentiginosis syndrome; POLYPOSIS, HAMARTOMATOUS INTESTINAL; POLYPS-AND-SPOTS SYNDROME. Identifiers: Orphanet 2869, MedGen C0031269, MeSH D010580, MONDO:0008280, OMIM 175200.

Submissions (5):

Labcorp Genetics (formerly Invitae), Labcorp
Classification: Uncertain significance for Peutz-Jeghers syndrome. Last evaluated: 2025-11-01. Review status: criteria provided, single submitter. Criteria: Invitae Variant Classification Sherloc (09022015). Collection method: clinical testing. Allele origin: germline.
Comment: This sequence change replaces proline, which is neutral and non-polar, with leucine, which is neutral and non-polar, at codon 413 of the STK11 protein (p.Pro413Leu). This variant is not present in population databases (gnomAD no frequency). This variant has not been reported in the literature in individuals affected with STK11-related conditions. ClinVar contains an entry for this variant (Variation ID: 141852). Invitae Evidence Modeling of protein sequence and biophysical properties (such as structural, functional, and spatial information, amino acid conservation, physicochemical variation, residue mobility, and thermodynamic stability) indicates that this missense variant is not expected to disrupt STK11 protein function with a negative predictive value of 95%. In summary, the available evidence is currently insufficient to determine the role of this variant in disease. Therefore, it has been classified as a Variant of Uncertain Significance.

Ambry Genetics
Classification: Uncertain significance for Hereditary cancer-predisposing syndrome. Last evaluated: 2025-05-06. Review status: criteria provided, single submitter. Criteria: Ambry Variant Classification Scheme 2023. Collection method: clinical testing. Allele origin: germline.
Comment: The p.P413L variant (also known as c.1238C>T), located in coding exon 9 of the STK11 gene, results from a C to T substitution at nucleotide position 1238. The proline at codon 413 is replaced by leucine, an amino acid with similar properties. This amino acid position is well conserved in available vertebrate species. In addition, this alteration is predicted to be tolerated by in silico analysis. Since supporting evidence is limited at this time, the clinical significance of this alteration remains unclear.

All of Us Research Program, National Institutes of Health
Classification: Uncertain significance for Peutz-Jeghers syndrome. Last evaluated: 2024-05-09. Review status: criteria provided, single submitter. Criteria: ACMG Guidelines, 2015. Collection method: clinical testing. Allele origin: germline. Inheritance: Autosomal dominant inheritance. Observed: 1 variant allele, 1 heterozygote.
Comment: This study involves interpretation of variants in research participants for the purpose of population health screening. Participant phenotype was not available at the time of variant classification. Additional details can be found in publication PMID: 35346344, PMCID: PMC8962531

Color Diagnostics, LLC DBA Color Health
Classification: Uncertain significance for Hereditary cancer-predisposing syndrome. Last evaluated: 2023-12-04. Review status: criteria provided, single submitter. Criteria: ACMG Guidelines, 2015. Collection method: clinical testing. Allele origin: germline.
Comment: This missense variant replaces proline with leucine at codon 413 of the STK11 protein. Computational prediction suggests that this variant may not impact protein structure and function (internally defined REVEL score threshold <= 0.5, PMID: 27666373). To our knowledge, functional studies have not been reported for this variant. This variant has not been reported in individuals affected with STK11-related disorders in the literature. This variant has not been identified in the general population by the Genome Aggregation Database (gnomAD). The available evidence is insufficient to determine the role of this variant in disease conclusively. Therefore, this variant is classified as a Variant of Uncertain Significance.

Genome-Nilou Lab
Classification: Uncertain significance for Peutz-Jeghers syndrome. Last evaluated: 2021-07-15. Review status: criteria provided, single submitter. Criteria: ACMG Guidelines, 2015. Collection method: clinical testing. Allele origin: germline. Affected: no.

NM_000455.5(STK11):c.1238C>T (p.Pro413Leu)

Gene: STK11 (serine/threonine kinase 11; plus strand). Cytogenetic location: 19p13.3.
Variant type: single nucleotide variant.
Coding change: c.1238C>T on transcript NM_000455.5 (MANE Select); coding-DNA position 1238, C replaced by T.
Protein change: p.Pro413Leu; replaces proline 413 with leucine.
Molecular consequence: missense variant.
Genome position (GRCh38, 1-based): chr19:1,226,583, C>T. VCF-style: chr19-1226583-C-T. GRCh37 (hg19) VCF-style: chr19-1226582-C-T.
Other names: short protein forms P413L.
Identifiers: ClinVar variation 141852 (VCV000141852.22), dbSNP rs587782059, ClinGen allele CA022521.